The following is an entry in ClinVar:

ClinVar aggregate classification (germline): Uncertain significance (1 of 4 stars; one submission).

Conditions:
Hereditary cancer-predisposing syndrome. Also called: Neoplastic Syndromes, Hereditary; Hereditary neoplastic syndrome; Tumor predisposition; Hereditary Cancer Syndrome. Identifiers: Orphanet 140162, MedGen C0027672, MeSH D009386, MONDO:0015356.

Submission:

Ambry Genetics
Classification: Uncertain significance for Hereditary cancer-predisposing syndrome. Last evaluated: 2023-01-05. Review status: criteria provided, single submitter. Criteria: Ambry Variant Classification Scheme 2023. Collection method: clinical testing. Allele origin: germline.
Comment: The p.A137D variant (also known as c.410C>A), located in coding exon 4 of the NF2 gene, results from a C to A substitution at nucleotide position 410. The alanine at codon 137 is replaced by aspartic acid, an amino acid with dissimilar properties. This amino acid position is conserved. In addition, this alteration is predicted to be deleterious by in silico analysis. Since supporting evidence is limited at this time, the clinical significance of this alteration remains unclear.

NM_000268.4(NF2):c.410C>A (p.Ala137Asp)

Gene: NF2 (NF2, moesin-ezrin-radixin like (MERLIN) tumor suppressor; plus strand). Cytogenetic location: 22q12.2.
Variant type: single nucleotide variant.
Coding change: c.410C>A on transcript NM_000268.4 (MANE Select); coding-DNA position 410, C replaced by A.
Protein change: p.Ala137Asp; replaces alanine 137 with aspartic acid.
Molecular consequence: missense variant. On other transcripts: 5 prime UTR variant (1), non-coding transcript variant (1).
Genome position (GRCh38, 1-based): chr22:29,642,248, C>A. VCF-style: chr22-29642248-C-A. GRCh37 (hg19) VCF-style: chr22-30038237-C-A.
Other names: c.296C>A, p.Ala99Asp (NM_001407053.1, NM_001407056.1); c.287C>A, p.Ala96Asp (NM_001407054.1, NM_001407058.1, NM_001407062.1 and 1 more transcripts); c.284C>A, p.Ala95Asp (NM_001407055.1, NM_181828.3); c.410C>A, p.Ala137Asp (NM_001407057.1, NM_001407059.1, NM_001407060.1 and 5 more transcripts); c.161C>A, p.Ala54Asp (NM_001407063.1, NM_001407064.1, NM_181830.3 and 1 more transcripts); c.-231C>A (NM_001407065.1); c.179C>A, p.Ala60Asp (NM_001407067.1); short protein forms A96D, A99D, A137D, A60D, A95D, A54D.
Identifiers: ClinVar variation 2453829 (VCV002453829.2), dbSNP rs2146893920, ClinGen allele CA411153820.